The following is an entry in ClinVar:

NM_152564.5(VPS13B):c.3746C>G (p.Ser1249Cys)

Gene: VPS13B (vacuolar protein sorting 13 homolog B; plus strand). Cytogenetic location: 8q22.2.
Variant type: single nucleotide variant.
Coding change: c.3746C>G on transcript NM_152564.5 (MANE Select); coding-DNA position 3746, C replaced by G.
Protein change: p.Ser1249Cys; replaces serine 1249 with cysteine.
Molecular consequence: missense variant.
Genome position (GRCh38, 1-based): chr8:99,481,678, C>G. VCF-style: chr8-99481678-C-G. GRCh37 (hg19) VCF-style: chr8-100493906-C-G.
Other names: c.3746C>G, p.Ser1249Cys (NM_017890.5); short protein forms S1249C.
Identifiers: ClinVar variation 1715985 (VCV001715985.5), dbSNP rs2490354534, ClinGen allele CA371866814.

ClinVar aggregate classification (germline): Uncertain significance (1 of 4 stars; one submission).

Conditions:
Cohen syndrome (COH1). Also called: PEPPER SYNDROME; Cutis verticis gyrata, retinitis pigmentosa, and sensorineural deafness. Identifiers: Orphanet 193, MedGen C0265223, MONDO:0008999, OMIM 216550.

Submission:

Labcorp Genetics (formerly Invitae), Labcorp
Classification: Uncertain significance for Cohen syndrome. Last evaluated: 2022-08-09. Review status: criteria provided, single submitter. Criteria: Invitae Variant Classification Sherloc (09022015). Collection method: clinical testing. Allele origin: germline.
Comment: This sequence change replaces serine, which is neutral and polar, with cysteine, which is neutral and slightly polar, at codon 1249 of the VPS13B protein (p.Ser1249Cys). This variant is not present in population databases (gnomAD no frequency). This variant has not been reported in the literature in individuals affected with VPS13B-related conditions. Algorithms developed to predict the effect of missense changes on protein structure and function are either unavailable or do not agree on the potential impact of this missense change (SIFT: "Not Available"; PolyPhen-2: "Benign"; Align-GVGD: "Not Available"). In summary, the available evidence is currently insufficient to determine the role of this variant in disease. Therefore, it has been classified as a Variant of Uncertain Significance.